The following is an entry in ClinVar:

NM_000059.4(BRCA2):c.5000C>T (p.Ser1667Leu)

Gene: BRCA2 (BRCA2 DNA repair associated; plus strand). Cytogenetic location: 13q13.1.
Variant type: single nucleotide variant.
Coding change: c.5000C>T on transcript NM_000059.4 (MANE Select); coding-DNA position 5000, C replaced by T.
Protein change: p.Ser1667Leu; replaces serine 1667 with leucine.
Molecular consequence: missense variant. On other transcripts: non-coding transcript variant (1), intron variant (2).
Genome position (GRCh38, 1-based): chr13:32,339,355, C>T. VCF-style: chr13-32339355-C-T. GRCh37 (hg19) VCF-style: chr13-32913492-C-T.
Other names: c.5000C>T, p.Ser1667Leu (NM_001406719.1, NM_001406720.1); c.1910-5203C>T (NM_001406721.1); c.425-5203C>T (NM_001406722.1); short protein forms S1667L.
Identifiers: ClinVar variation 2751976 (VCV002751976.19), dbSNP rs397507346, ClinGen allele CA387783921.

ClinVar aggregate classification (germline): Uncertain significance. Review status: criteria provided, multiple submitters, no conflicts (2 of 4 stars). 2 submissions from 2 submitters: Uncertain significance (2). Last evaluated 2025-07-08.

Conditions:
Hereditary breast ovarian cancer syndrome. Also called: Hereditary breast and ovarian cancer syndrome; Hereditary breast and ovarian cancer syndrome (HBOC); Breast and ovarian cancer; Hereditary breast and ovarian cancer; Hereditary breast and/or ovarian cancer syndrome; BRCA1- and BRCA2-Associated Hereditary Breast and Ovarian Cancer. Identifiers: Orphanet 145, MedGen C0677776, MeSH D061325, MONDO:0003582. Disease mechanism: loss of function.

Submissions (2):

Labcorp Genetics (formerly Invitae), Labcorp
Classification: Uncertain significance for Hereditary breast ovarian cancer syndrome. Last evaluated: 2025-07-08. Review status: criteria provided, single submitter. Criteria: Invitae Variant Classification Sherloc (09022015). Collection method: clinical testing. Allele origin: germline.
Comment: This sequence change replaces serine, which is neutral and polar, with leucine, which is neutral and non-polar, at codon 1667 of the BRCA2 protein (p.Ser1667Leu). This variant is not present in population databases (gnomAD no frequency). This variant has not been reported in the literature in individuals affected with BRCA2-related conditions. ClinVar contains an entry for this variant (Variation ID: 2751976). Invitae Evidence Modeling of protein sequence and biophysical properties (such as structural, functional, and spatial information, amino acid conservation, physicochemical variation, residue mobility, and thermodynamic stability) indicates that this missense variant is not expected to disrupt BRCA2 protein function with a negative predictive value of 95%. In summary, the available evidence is currently insufficient to determine the role of this variant in disease. Therefore, it has been classified as a Variant of Uncertain Significance.

CeGaT Center for Human Genetics Tuebingen
Classification: Uncertain significance. Last evaluated: 2024-08-01. Review status: criteria provided, single submitter. Criteria: CeGaT Center For Human Genetics Tuebingen Variant Classification Criteria Version 2. Collection method: clinical testing. Allele origin: germline. Affected: yes. Observed: 1 variant allele.
Comment: BRCA2: PM2, BP4